The following is an entry in ClinVar:

ClinVar aggregate classification (germline): Uncertain significance (1 of 4 stars; one submission).

Allele frequency attached by ClinVar (database versions not stated): gnomAD exomes below 0.00001; TOPMed below 0.00001; ExAC 0.00001; gnomAD 0.00001.
gnomAD v4.1: 7 of 1,611,832 alleles (0.00043%); highest among the groups gnomAD compares: African/African-American, 0.0013%; no homozygotes.

Submission:

Labcorp Genetics (formerly Invitae), Labcorp
Classification: Uncertain significance. Last evaluated: 2022-04-06. Review status: criteria provided, single submitter. Criteria: Invitae Variant Classification Sherloc (09022015). Collection method: clinical testing. Allele origin: germline.
Comment: In summary, the available evidence is currently insufficient to determine the role of this variant in disease. Therefore, it has been classified as a Variant of Uncertain Significance. Algorithms developed to predict the effect of missense changes on protein structure and function are either unavailable or do not agree on the potential impact of this missense change (SIFT: "Deleterious"; PolyPhen-2: "Probably Damaging"; Align-GVGD: "Class C0"). This variant has not been reported in the literature in individuals affected with AP3B2-related conditions. The frequency data for this variant in the population databases is considered unreliable, as metrics indicate poor data quality at this position in the gnomAD database. This sequence change replaces arginine, which is basic and polar, with histidine, which is basic and polar, at codon 117 of the AP3B2 protein (p.Arg117His).

NM_001278512.2(AP3B2):c.350G>A (p.Arg117His)

Genes: AP3B2 (adaptor related protein complex 3 subunit beta 2; minus strand), CPEB1-AS1 (CPEB1 antisense RNA 1; plus strand). Cytogenetic location: 15q25.2.
Variant type: single nucleotide variant.
Coding change: c.350G>A on transcript NM_001278512.2 (MANE Select); coding-DNA position 350, G replaced by A.
Protein change: p.Arg117His; replaces arginine 117 with histidine.
Molecular consequence: missense variant. On other transcripts: intron variant (1).
Genome position (GRCh38, 1-based): chr15:82,688,746, C>T on the plus strand (G>A on the coding strand, the complement: AP3B2 is on the minus strand). VCF-style: chr15-82688746-C-T. GRCh37 (hg19) VCF-style: chr15-83357498-C-T.
Other names: c.350G>A, p.Arg117His (NM_001348440.2, NM_004644.5); c.264+412G>A (NM_001278511.2); short protein forms R117H.
Identifiers: ClinVar variation 2072957 (VCV002072957.4), dbSNP rs753241290, ClinGen allele CA7700528.